The following is an entry in ClinVar:

ClinVar aggregate classification (germline): Uncertain significance (1 of 4 stars; one submission).

Submission:

Greenwood Genetic Center Diagnostic Laboratories, Greenwood Genetic Center
Classification: Uncertain significance. Last evaluated: 2026-06-25. Review status: criteria provided, single submitter. Criteria: ACMG Guidelines, 2015. Collection method: clinical testing. Allele origin: germline.
Comment: PVS1, PM2, BS2

NM_032217.5(ANKRD17):c.3636-1G>C

Gene: ANKRD17 (ankyrin repeat domain 17; minus strand). Cytogenetic location: 4q13.3.
Variant type: single nucleotide variant.
Coding change: c.3636-1G>C on transcript NM_032217.5 (MANE Select); the canonical splice acceptor site of the intron before coding-DNA position 3636, G replaced by C.
Molecular consequence: splice acceptor variant.
Genome position (GRCh38, 1-based): chr4:73,121,095, C>G on the plus strand (G>C on the coding strand, the complement: ANKRD17 is on the minus strand). VCF-style: chr4-73121095-C-G. GRCh37 (hg19) VCF-style: chr4-73986812-C-G.
Other names: c.2883-1G>C (NM_198889.3); c.3633-1G>C (NM_015574.2); c.3297-1G>C (NM_001286771.3).
Identifiers: ClinVar variation 4891181 (VCV004891181.1).
Genomic context (GRCh38, chr4:73,121,095, plus strand): 5'-GCTGTATGCCCATTCATAGCTGCTAACATCAGAGGAGAGATGCCCAATTTGCTACCAGTT[C>G]TAGGGGTGCAGGTATGGGGAAAACAAATGGAAAAATATATATTTTAAATGACAGAAAAAT-3'